The following is an entry in ClinVar:

ClinVar aggregate classification (germline): Pathogenic (1 of 4 stars; one submission).

Conditions:
Developmental and epileptic encephalopathy, 9 (DEE9). Also called: EPILEPSY, FEMALE-RESTRICTED, WITH MENTAL RETARDATION; Early infantile epileptic encephalopathy 9; PCDH19-Related X-Linked Female-Limited Epilepsy with Mental Retardation; JUBERG-HELLMAN SYNDROME. Identifiers: Orphanet 101039, Orphanet 2076, MedGen C1848137, MONDO:0010246, OMIM 300088. Disease mechanism: loss of function.

Submission:

Labcorp Genetics (formerly Invitae), Labcorp
Classification: Pathogenic for Developmental and epileptic encephalopathy, 9. Last evaluated: 2023-11-27. Review status: criteria provided, single submitter. Criteria: Invitae Variant Classification Sherloc (09022015). Collection method: clinical testing. Allele origin: germline.
Comment: This sequence change creates a premature translational stop signal (p.Gln18Profs*9) in the PCDH19 gene. It is expected to result in an absent or disrupted protein product. Loss-of-function variants in PCDH19 are known to be pathogenic (PMID: 21053371). This variant is not present in population databases (gnomAD no frequency). This variant has not been reported in the literature in individuals affected with PCDH19-related conditions. ClinVar contains an entry for this variant (Variation ID: 1396904). For these reasons, this variant has been classified as Pathogenic.

Literature cited by the submitters: PubMed 21053371.

NM_001184880.2(PCDH19):c.53_62del (p.Gln18fs)

Gene: PCDH19 (protocadherin 19; minus strand). Cytogenetic location: Xq22.1.
Variant type: Deletion.
Coding change: c.53_62del on transcript NM_001184880.2 (MANE Select); coding-DNA positions 53 to 62, 10 bases deleted (AGGCTGCCGC; older notation c.53_62delAGGCTGCCGC).
Protein change: p.Gln18fs; shifts the reading frame from glutamine 18.
Molecular consequence: frameshift variant.
Genome position (GRCh38, 1-based): chrX:100,408,536-100,408,545, GCGGCAGCCT deleted on the plus strand (AGGCTGCCGC on the coding strand, the reverse complement: PCDH19 is on the minus strand); deleting any 10 consecutive bases within chrX:100,408,536-100,408,548 gives the same sequence; the c. name uses the placement nearest the transcript's 3' end. VCF-style (leftmost placement, unchanged base first): chrX-100408535-GGCGGCAGCCT-G. GRCh37 (hg19) VCF-style: chrX-99663533-GGCGGCAGCCT-G.
Other names: c.53_62del, p.Gln18fs (NM_001105243.2, NM_020766.3); short protein forms Q18fs.
Identifiers: ClinVar variation 1396904 (VCV001396904.6), dbSNP rs2147542837, ClinGen allele CA2573159035.